The following is an entry in ClinVar:

ClinVar aggregate classification (germline): Uncertain significance. Review status: criteria provided, multiple submitters, no conflicts (2 of 4 stars). 2 submissions from 2 submitters: Uncertain significance (2). Last evaluated 2026-02-03.

Conditions:
Cardiovascular phenotype. Identifiers: MedGen CN230736.

Allele frequency attached by ClinVar (database versions not stated): ExAC 0.00002; gnomAD exomes 0.00002 and 0.00005; gnomAD 0.00003; TOPMed 0.00003.
gnomAD v4.1: 74 of 1,614,000 alleles (0.0046%); highest among the groups gnomAD compares: Non-Finnish European, 0.006%; no homozygotes.

Submissions (2):

Labcorp Genetics (formerly Invitae), Labcorp
Classification: Uncertain significance. Last evaluated: 2026-02-03. Review status: criteria provided, single submitter. Criteria: Invitae Variant Classification Sherloc (09022015). Collection method: clinical testing. Allele origin: germline.
Comment: This sequence change replaces glycine, which is neutral and non-polar, with alanine, which is neutral and non-polar, at codon 1074 of the ALPK3 protein (p.Gly1074Ala). This variant is present in population databases (rs779766656, gnomAD 0.002%). This variant has not been reported in the literature in individuals affected with ALPK3-related conditions. ClinVar contains an entry for this variant (Variation ID: 1440440). Invitae Evidence Modeling of protein sequence and biophysical properties (such as structural, functional, and spatial information, amino acid conservation, physicochemical variation, residue mobility, and thermodynamic stability) indicates that this missense variant is not expected to disrupt ALPK3 protein function with a negative predictive value of 80%. In summary, the available evidence is currently insufficient to determine the role of this variant in disease. Therefore, it has been classified as a Variant of Uncertain Significance.

Ambry Genetics
Classification: Uncertain significance for Cardiovascular phenotype. Last evaluated: 2021-03-30. Review status: criteria provided, single submitter. Criteria: Ambry Variant Classification Scheme 2023. Collection method: clinical testing. Allele origin: germline.
Comment: The p.G1074A variant (also known as c.3221G>C), located in coding exon 6 of the ALPK3 gene, results from a G to C substitution at nucleotide position 3221. The glycine at codon 1074 is replaced by alanine, an amino acid with similar properties. This amino acid position is not well conserved in available vertebrate species. In addition, this alteration is predicted to be tolerated by in silico analysis. Since supporting evidence is limited at this time, the clinical significance of this alteration remains unclear.

NM_020778.5(ALPK3):c.2615G>C (p.Gly872Ala)

Gene: ALPK3 (alpha kinase 3; plus strand). Cytogenetic location: 15q25.3.
Variant type: single nucleotide variant.
Coding change: c.2615G>C on transcript NM_020778.5 (MANE Select); coding-DNA position 2615, G replaced by C.
Protein change: p.Gly872Ala; replaces glycine 872 with alanine.
Molecular consequence: missense variant.
Genome position (GRCh38, 1-based): chr15:84,857,353, G>C. VCF-style: chr15-84857353-G-C. GRCh37 (hg19) VCF-style: chr15-85400584-G-C.
Other names: short protein forms G872A.
Identifiers: ClinVar variation 1440440 (VCV001440440.8), dbSNP rs779766656, ClinGen allele CA7709457.